The following is an entry in ClinVar:

ClinVar aggregate classification (germline): Uncertain significance. Review status: criteria provided, multiple submitters, no conflicts (2 of 4 stars). 3 submissions from 3 submitters: Uncertain significance (3). Last evaluated 2023-01-10.

Conditions:
Inborn genetic diseases. Identifiers: MedGen C0950123, MeSH D030342.

Allele frequency attached by ClinVar (database versions not stated): gnomAD 0.00001; gnomAD exomes 0.00001; TOPMed 0.00002.
gnomAD v4.1: 15 of 1,561,690 alleles (0.00096%); highest among the groups gnomAD compares: South Asian, 0.0024%; no homozygotes.

Submissions (3):

Ambry Genetics
Classification: Uncertain significance for Inborn genetic diseases. Last evaluated: 2023-01-10. Review status: criteria provided, single submitter. Criteria: Ambry Variant Classification Scheme 2023. Collection method: clinical testing. Allele origin: germline.

Labcorp Genetics (formerly Invitae), Labcorp
Classification: Uncertain significance. Last evaluated: 2022-07-30. Review status: criteria provided, single submitter. Criteria: Invitae Variant Classification Sherloc (09022015). Collection method: clinical testing. Allele origin: germline.
Comment: In summary, the available evidence is currently insufficient to determine the role of this variant in disease. Therefore, it has been classified as a Variant of Uncertain Significance. Algorithms developed to predict the effect of missense changes on protein structure and function are either unavailable or do not agree on the potential impact of this missense change (SIFT: "Tolerated"; PolyPhen-2: "Not Available"; Align-GVGD: "Class C0"). ClinVar contains an entry for this variant (Variation ID: 452144). This variant has not been reported in the literature in individuals affected with KMT2B-related conditions. The frequency data for this variant in the population databases is considered unreliable, as metrics indicate poor data quality at this position in the gnomAD database. This sequence change replaces arginine, which is basic and polar, with cysteine, which is neutral and slightly polar, at codon 610 of the KMT2B protein (p.Arg610Cys).

GeneDx
Classification: Uncertain significance. Last evaluated: 2019-04-23. Review status: criteria provided, single submitter. Criteria: GeneDx Variant Classification Process June 2021. Collection method: clinical testing. Allele origin: germline. Affected: yes.
Comment: Has not been previously published as pathogenic or benign to our knowledge; In silico analysis, which includes protein predictors and evolutionary conservation, supports a deleterious effect

NM_014727.3(KMT2B):c.1828C>T (p.Arg610Cys)

Gene: KMT2B (lysine methyltransferase 2B; plus strand). Cytogenetic location: 19q13.12.
Variant type: single nucleotide variant.
Coding change: c.1828C>T on transcript NM_014727.3 (MANE Select); coding-DNA position 1828, C replaced by T.
Protein change: p.Arg610Cys; replaces arginine 610 with cysteine.
Molecular consequence: missense variant.
Genome position (GRCh38, 1-based): chr19:35,721,175, C>T. VCF-style: chr19-35721175-C-T. GRCh37 (hg19) VCF-style: chr19-36212077-C-T.
Other names: c.1828C>T (NM_014727.1); short protein forms R610C.
Identifiers: ClinVar variation 452144 (VCV000452144.11), dbSNP rs911830364, ClinGen allele CA307783241.
Genomic context (GRCh38, chr19:35,721,175, plus strand): 5'-CCATCTACCCCAGTTCCACTCCCTGAGAAGAGACGGTCCATCCTAAGGGAACCCACATTT[C>T]GCTGGACCTCACTGACCCGGGAGCTGCCCCCTCCTCCCCCAGCCCCTCCACCTCCCCCGG-3'
Protein context (NP_055542.1, residues 600-620): RRSILREPTF[Arg610Cys]WTSLTRELPP